The following is an entry in ClinVar:

NM_002063.4(GLRA2):c.777C>G (p.Ile259Met)

Gene: GLRA2 (glycine receptor alpha 2; plus strand). Cytogenetic location: Xp22.2.
Variant type: single nucleotide variant.
Coding change: c.777C>G on transcript NM_002063.4 (MANE Select); coding-DNA position 777, C replaced by G.
Protein change: p.Ile259Met; replaces isoleucine 259 with methionine.
Molecular consequence: missense variant.
Genome position (GRCh38, 1-based): chrX:14,609,052, C>G. VCF-style: chrX-14609052-C-G. GRCh37 (hg19) VCF-style: chrX-14627174-C-G.
Other names: c.777C>G, p.Ile259Met (NM_001118885.2, NM_001118886.2); c.510C>G, p.Ile170Met (NM_001171942.2); short protein forms I170M, I259M.
Identifiers: ClinVar variation 1334408 (VCV001334408.3), dbSNP rs2147096455, ClinGen allele CA412433991.
Genomic context (GRCh38, chrX:14,609,052, plus strand): 5'-AAAGTTTACCTGCATTGAGGTCAAGTTTCATCTGGAACGCCAAATGGGATATTATTTGAT[C>G]CAGATGTACATCCCAAGCCTGCTTATAGTAATTTTGTCCTGGGTTTCCTTTTGGATAAAT-3'
Protein context (NP_002054.1, residues 249-269): HLERQMGYYL[Ile259Met]QMYIPSLLIV

ClinVar aggregate classification (germline): Likely pathogenic. Review status: criteria provided, single submitter (1 of 4 stars). 2 submissions from 2 submitters: Likely pathogenic (1). 1 of the submissions does not count toward it. Last evaluated 2022-09-01.

Conditions:
Intellectual developmental disorder, X-linked, syndromic, Pilorge type. Identifiers: MedGen C5676881, MONDO:0024772, OMIM 301076.

Submissions (2):

3billion
Classification: Likely pathogenic for Intellectual developmental disorder, X-linked, syndromic, Pilorge type. Last evaluated: 2022-09-01. Review status: criteria provided, single submitter. Criteria: ACMG Guidelines, 2015. Collection method: clinical testing. Allele origin: germline. Affected: yes. Observed: 1 hemizygote.
Comment: The variant is not observed in the gnomAD v2.1.1 dataset. Missense changes are a common disease-causing mechanism. In silico tool predictions suggest damaging effect of the variant on gene or gene product (REVEL: 0.74; 3Cnet: 0.66). Same nucleotide change resulting in same amino acid change has been previously reported to be associated with GLRA2-related disorder (ClinVar ID: VCV001334408). The variant has been previously reported as de novo in a similarly affected individual (PMID: 35294868). Therefore, this variant is classified as Likely pathogenic according to the recommendation of ACMG/AMP guideline.

Wangler Lab, Baylor College of Medicine
Classification: Likely pathogenic. Last evaluated: 2022-01-10. Review status: no assertion criteria provided. Collection method: research. Allele origin: de novo. Affected: yes. Observed: 1 heterozygote. Not counted in ClinVar's aggregate classification.
Comment: Marcogliese et al., (2022) have identified 13 unrelated subjects with a variable neurodevelopmental disorder with or without autistic features. This variant (c.777C>G) results in p.Ile259Met. This change is not seen in GnomAD (PM2) and in silico models predict pathogenicity (PP3). We classify this variant to be likely pathogenic based on our cohort of affected individuals with similar phenotypes.

Literature cited by the submitters: PubMed 35294868 (cited by 3billion).